The following is an entry in ClinVar:

NM_022114.4(PRDM16):c.3370G>A (p.Asp1124Asn)

Gene: PRDM16 (PR/SET domain 16; plus strand). Cytogenetic location: 1p36.32.
Variant type: single nucleotide variant.
Coding change: c.3370G>A on transcript NM_022114.4 (MANE Select); coding-DNA position 3370, G replaced by A.
Protein change: p.Asp1124Asn; replaces aspartic acid 1124 with asparagine.
Molecular consequence: missense variant.
Genome position (GRCh38, 1-based): chr1:3,430,957, G>A. VCF-style: chr1-3430957-G-A. GRCh37 (hg19) VCF-style: chr1-3347521-G-A.
Other names: c.3370G>A, p.Asp1124Asn (NM_199454.3); short protein forms D1124N.
Identifiers: ClinVar variation 1002756 (VCV001002756.9), dbSNP rs771432997, ClinGen allele CA544853.

ClinVar aggregate classification (germline): Uncertain significance. Review status: criteria provided, multiple submitters, no conflicts (2 of 4 stars). 2 submissions from 2 submitters: Uncertain significance (2). Last evaluated 2025-06-24.

Conditions:
Left ventricular noncompaction 8 (LVNC8). Identifiers: Orphanet 154, Orphanet 54260, MedGen C3809288, MONDO:0014152, OMIM 615373.

Allele frequency attached by ClinVar (database versions not stated): ExAC 0.00001; gnomAD exomes 0.00001; gnomAD 0.00002; TOPMed 0.00002.
gnomAD v4.1: 21 of 1,613,156 alleles (0.0013%); highest among the groups gnomAD compares: Non-Finnish European, 0.0017%; no homozygotes.

Submissions (2):

Labcorp Genetics (formerly Invitae), Labcorp
Classification: Uncertain significance for Left ventricular noncompaction 8. Last evaluated: 2025-06-24. Review status: criteria provided, single submitter. Criteria: Invitae Variant Classification Sherloc (09022015). Collection method: clinical testing. Allele origin: germline.
Comment: This sequence change replaces aspartic acid, which is acidic and polar, with asparagine, which is neutral and polar, at codon 1124 of the PRDM16 protein (p.Asp1124Asn). This variant is present in population databases (rs771432997, gnomAD 0.002%). This variant has not been reported in the literature in individuals affected with PRDM16-related conditions. ClinVar contains an entry for this variant (Variation ID: 1002756). An algorithm developed to predict the effect of missense changes on protein structure and function (PolyPhen-2) suggests that this variant is likely to be tolerated. In summary, the available evidence is currently insufficient to determine the role of this variant in disease. Therefore, it has been classified as a Variant of Uncertain Significance.

GeneDx
Classification: Uncertain significance. Last evaluated: 2022-11-01. Review status: criteria provided, single submitter. Criteria: GeneDx Variant Classification Process June 2021. Collection method: clinical testing. Allele origin: germline. Affected: yes.
Comment: Not observed at significant frequency in large population cohorts (gnomAD); In silico analysis supports that this missense variant does not alter protein structure/function; Has not been previously published as pathogenic or benign to our knowledge